The following is an entry in ClinVar:

NM_001048174.2(MUTYH):c.16G>A (p.Ala6Thr)

Gene: MUTYH (mutY DNA glycosylase; minus strand). Cytogenetic location: 1p34.1.
Variant type: single nucleotide variant.
Coding change: c.16G>A on transcript NM_001048174.2 (MANE Select); coding-DNA position 16, G replaced by A.
Protein change: p.Ala6Thr; replaces alanine 6 with threonine.
Molecular consequence: missense variant. On other transcripts: 5 prime UTR variant (7), non-coding transcript variant (7).
Genome position (GRCh38, 1-based): chr1:45,334,490, C>T on the plus strand (G>A on the coding strand, the complement: MUTYH is on the minus strand). VCF-style: chr1-45334490-C-T. GRCh37 (hg19) VCF-style: chr1-45800162-C-T.
Other names: c.16G>A, p.Ala6Thr (NM_001407077.1, NM_001407078.1, NM_001407079.1 and 15 more transcripts); c.-192G>A (NM_001407082.1, NM_001350651.2); c.34G>A, p.Ala12Thr (NM_001407087.1); c.58G>A, p.Ala20Thr (NM_001407069.1, NM_001407073.1, NM_012222.3 and 2 more transcripts); c.-141G>A (NM_001407075.1); c.-197G>A (NM_001407091.1, NM_001293192.2, NM_001293196.2); c.-256G>A (NM_001350650.2); short protein forms A12T, A20T, A6T.
Identifiers: ClinVar variation 4112831 (VCV004112831.2).

ClinVar aggregate classification (germline): Uncertain significance. Review status: criteria provided, multiple submitters, no conflicts (2 of 4 stars). 2 submissions from 2 submitters: Uncertain significance (2). Last evaluated 2025-08-27.

Conditions:
Familial adenomatous polyposis 2. Also called: COLORECTAL ADENOMATOUS POLYPOSIS, AUTOSOMAL RECESSIVE; ADENOMAS, MULTIPLE COLORECTAL, AUTOSOMAL RECESSIVE; MYH-associated polyposis; MUTYH-associated polyposis; MUTYH-related attenuated familial adenomatous polyposis; FAP type 2. Identifiers: Orphanet 220460, Orphanet 247798, MedGen C3272841, MONDO:0012041, OMIM 608456.
Hereditary cancer-predisposing syndrome. Also called: Tumor predisposition; Neoplastic Syndromes, Hereditary; Hereditary Cancer Syndrome; Hereditary neoplastic syndrome. Identifiers: Orphanet 140162, MedGen C0027672, MeSH D009386, MONDO:0015356.

Submissions (2):

Ambry Genetics
Classification: Uncertain significance for Hereditary cancer-predisposing syndrome. Last evaluated: 2025-08-27. Review status: criteria provided, single submitter. Criteria: Ambry Variant Classification Scheme 2023. Collection method: clinical testing. Allele origin: germline.
Comment: The p.A20T variant (also known as c.58G>A), located in coding exon 2 of the MUTYH gene, results from a G to A substitution at nucleotide position 58. The alanine at codon 20 is replaced by threonine, an amino acid with similar properties. This amino acid position is conserved. In addition, this alteration is predicted to be tolerated by in silico analysis. Based on the available evidence, the clinical significance of this variant remains unclear.

Labcorp Genetics (formerly Invitae), Labcorp
Classification: Uncertain significance for Familial adenomatous polyposis 2. Last evaluated: 2025-05-13. Review status: criteria provided, single submitter. Criteria: Invitae Variant Classification Sherloc (09022015). Collection method: clinical testing. Allele origin: germline.
Comment: This sequence change replaces alanine, which is neutral and non-polar, with threonine, which is neutral and polar, at codon 20 of the MUTYH protein (p.Ala20Thr). This variant is not present in population databases (gnomAD no frequency). This variant has not been reported in the literature in individuals affected with MUTYH-related conditions. An algorithm developed to predict the effect of missense changes on protein structure and function outputs the following: PolyPhen-2: "Benign". The threonine amino acid residue is found in multiple mammalian species, which suggests that this missense change does not adversely affect protein function. In summary, the available evidence is currently insufficient to determine the role of this variant in disease. Therefore, it has been classified as a Variant of Uncertain Significance.